The following is an entry in ClinVar:

NM_001012302.3(ANO9):c.123A>G (p.Gln41=)

Gene: ANO9 (anoctamin 9; minus strand). Cytogenetic location: 11p15.5.
Variant type: single nucleotide variant.
Coding change: c.123A>G on transcript NM_001012302.3 (MANE Select); coding-DNA position 123, A replaced by G.
Protein change: p.Gln41=; no amino-acid change (glutamine 41 retained).
Molecular consequence: synonymous variant. On other transcripts: 5 prime UTR variant (1).
Genome position (GRCh38, 1-based): chr11:433,896, T>C on the plus strand (A>G on the coding strand, the complement: ANO9 is on the minus strand). VCF-style: chr11-433896-T-C. GRCh37 (hg19) VCF-style: chr11-433896-T-C.
Other names: c.-390A>G (NM_001347882.2).
Identifiers: ClinVar variation 2641052 (VCV002641052.24), dbSNP rs376326016, ClinGen allele CA5777878.
Genomic context (GRCh38, chr11:433,896, plus strand): 5'-CCTGAGCTCCTCCAGGAACTGTTGCTGCCGCGCCTGCCGGGGGTCTCTCTGGGTGTGACG[T>C]TGGGCCACGAGGACATAGTCCCACTGCTCGGAGGCCTCGGTCTGCAGGGAGGAGGCATGG-3'
Protein context (NP_001012302.2, residues 31-51): SEQWDYVLVA[Gln41=]RHTQRDPRQA

ClinVar aggregate classification (germline): Likely benign (1 of 4 stars; one submission).

Allele frequency attached by ClinVar (database versions not stated): gnomAD exomes 0.00007; ESP Exome Variant Server 0.00016; gnomAD 0.00016; ExAC 0.00020; TOPMed 0.00020; 1000 Genomes Project 0.00060.
gnomAD v4.1: 121 of 1,563,976 alleles (0.0077%); highest among the groups gnomAD compares: African/African-American, 0.044%; no homozygotes.

Submission:

CeGaT Center for Human Genetics Tuebingen
Classification: Likely benign. Last evaluated: 2022-05-01. Review status: criteria provided, single submitter. Criteria: CeGaT Center For Human Genetics Tuebingen Variant Classification Criteria Version 2. Collection method: clinical testing. Allele origin: germline. Affected: yes. Observed: 1 variant allele.
Comment: ANO9: BP4, BP7